The following is an entry in ClinVar:

ClinVar aggregate classification (germline): Likely benign. Review status: criteria provided, multiple submitters, no conflicts (2 of 4 stars). 2 submissions from 2 submitters: Likely benign (2). Last evaluated 2025-12-15.

Conditions:
Familial temporal lobe epilepsy 7. Identifiers: Orphanet 101046, MedGen C4225327, MONDO:0014639, OMIM 616436.
Norman-Roberts syndrome (LIS2). Also called: Lissencephaly 2 (Norman-Roberts type). Identifiers: Orphanet 89844, MedGen C0796089, MONDO:0009760, OMIM 257320.

Allele frequency attached by ClinVar (database versions not stated): TOPMed 0.00002.
gnomAD v4.1: 32 of 1,590,472 alleles (0.002%); highest among the groups gnomAD compares: Admixed American, 0.052%; no homozygotes.

Submissions (2):

Labcorp Genetics (formerly Invitae), Labcorp
Classification: Likely benign for Familial temporal lobe epilepsy 7; Norman-Roberts syndrome. Last evaluated: 2025-12-15. Review status: criteria provided, single submitter. Criteria: Invitae Variant Classification Sherloc (09022015). Collection method: clinical testing. Allele origin: germline.

GeneDx
Classification: Likely benign. Last evaluated: 2018-03-02. Review status: criteria provided, single submitter. Criteria: GeneDx Variant Classification (06012015). Collection method: clinical testing. Allele origin: germline. Affected: yes.
Comment: This variant is considered likely benign or benign based on one or more of the following criteria: it is a conservative change, it occurs at a poorly conserved position in the protein, it is predicted to be benign by multiple in silico algorithms, and/or has population frequency not consistent with disease.

NM_005045.4(RELN):c.5797+19T>C

Gene: RELN (reelin; minus strand). Cytogenetic location: 7q22.1.
Variant type: single nucleotide variant.
Coding change: c.5797+19T>C on transcript NM_005045.4 (MANE Select); 19 bases into the intron after coding-DNA position 5797, T replaced by C.
Molecular consequence: intron variant.
Genome position (GRCh38, 1-based): chr7:103,556,958, A>G on the plus strand (T>C on the coding strand, the complement: RELN is on the minus strand). VCF-style: chr7-103556958-A-G. GRCh37 (hg19) VCF-style: chr7-103197405-A-G.
Other names: c.5797+19T>C (NM_173054.3).
Identifiers: ClinVar variation 515812 (VCV000515812.8), dbSNP rs202190286, ClinGen allele CA4421112.